The following is an entry in ClinVar:

NM_001369.3(DNAH5):c.5246T>G (p.Ile1749Ser)

Gene: DNAH5 (dynein axonemal heavy chain 5; minus strand). Cytogenetic location: 5p15.2.
Variant type: single nucleotide variant.
Coding change: c.5246T>G on transcript NM_001369.3 (MANE Select); coding-DNA position 5246, T replaced by G.
Protein change: p.Ile1749Ser; replaces isoleucine 1749 with serine.
Molecular consequence: missense variant.
Genome position (GRCh38, 1-based): chr5:13,844,862, A>C on the plus strand (T>G on the coding strand, the complement: DNAH5 is on the minus strand). VCF-style: chr5-13844862-A-C. GRCh37 (hg19) VCF-style: chr5-13844971-A-C.
Other names: c.5246T>G (NM_001369.2); short protein forms I1749S.
Identifiers: ClinVar variation 2703457 (VCV002703457.4), dbSNP rs770108485, ClinGen allele CA3203756.

ClinVar aggregate classification (germline): Uncertain significance. Review status: criteria provided, multiple submitters, no conflicts (2 of 4 stars). 2 submissions from 2 submitters: Uncertain significance (2). Last evaluated 2024-03-02.

Conditions:
Primary ciliary dyskinesia. Also called: Ciliary dyskinesia. Identifiers: Orphanet 244, MedGen C0008780, MONDO:0016575, HP:0012265.

Allele frequency attached by ClinVar (database versions not stated): ExAC 0.00001.
gnomAD v4.1: 1 of 1,614,214 alleles (0.000062%); highest among the groups gnomAD compares: Non-Finnish European, 0.000085%; no homozygotes.

Submissions (2):

Ambry Genetics
Classification: Uncertain significance for Primary ciliary dyskinesia. Last evaluated: 2024-03-02. Review status: criteria provided, single submitter. Criteria: Ambry Variant Classification Scheme 2023. Collection method: clinical testing. Allele origin: germline.
Comment: The p.I1749S variant (also known as c.5246T>G), located in coding exon 32 of the DNAH5 gene, results from a T to G substitution at nucleotide position 5246. The isoleucine at codon 1749 is replaced by serine, an amino acid with dissimilar properties. This amino acid position is conserved. In addition, this alteration is predicted to be deleterious by in silico analysis. Based on the available evidence, the clinical significance of this alteration remains unclear.

Labcorp Genetics (formerly Invitae), Labcorp
Classification: Uncertain significance for Primary ciliary dyskinesia. Last evaluated: 2023-06-04. Review status: criteria provided, single submitter. Criteria: Invitae Variant Classification Sherloc (09022015). Collection method: clinical testing. Allele origin: germline.
Comment: In summary, the available evidence is currently insufficient to determine the role of this variant in disease. Therefore, it has been classified as a Variant of Uncertain Significance. Advanced modeling of protein sequence and biophysical properties (such as structural, functional, and spatial information, amino acid conservation, physicochemical variation, residue mobility, and thermodynamic stability) has been performed at Invitae for this missense variant, however the output from this modeling did not meet the statistical confidence thresholds required to predict the impact of this variant on DNAH5 protein function. This missense change has been observed in individual(s) with DNAH5-related conditions (Invitae). In at least one individual the data is consistent with being in trans (on the opposite chromosome) from a pathogenic variant. This variant is present in population databases (rs770108485, gnomAD 0.0009%). This sequence change replaces isoleucine, which is neutral and non-polar, with serine, which is neutral and polar, at codon 1749 of the DNAH5 protein (p.Ile1749Ser).